The following is an entry in ClinVar:

ClinVar aggregate classification (germline): Conflicting classifications of pathogenicity. Review status: criteria provided, conflicting classifications (1 of 4 stars). 2 submissions from 2 submitters: Pathogenic (1); Uncertain significance (1). Last evaluated 2024-02-13.

Conditions:
Severe X-linked myotubular myopathy (CNMX). Also called: MYOTUBULAR MYOPATHY 1; X-linked centronuclear myopathy; Myotubular myopathy, X-linked. Identifiers: Orphanet 596, MedGen C0410203, MONDO:0010683, OMIM 310400.

Submissions (2):

Labcorp Genetics (formerly Invitae), Labcorp
Classification: Uncertain significance for Severe X-linked myotubular myopathy. Last evaluated: 2024-02-13. Review status: criteria provided, single submitter. Criteria: Invitae Variant Classification Sherloc (09022015). Collection method: clinical testing. Allele origin: germline.
Comment: This sequence change replaces tryptophan, which is neutral and slightly polar, with arginine, which is basic and polar, at codon 499 of the MTM1 protein (p.Trp499Arg). This variant is not present in population databases (gnomAD no frequency). This missense change has been observed in individual(s) with centronuclear myopathy (PMID: 9285787). ClinVar contains an entry for this variant (Variation ID: 158946). Advanced modeling of protein sequence and biophysical properties (such as structural, functional, and spatial information, amino acid conservation, physicochemical variation, residue mobility, and thermodynamic stability) performed at Invitae indicates that this missense variant is expected to disrupt MTM1 protein function with a positive predictive value of 95%. This variant disrupts the p.Trp499 amino acid residue in MTM1. Other variant(s) that disrupt this residue have been observed in individuals with MTM1-related conditions (PMID: 9285787, 30902907), which suggests that this may be a clinically significant amino acid residue. In summary, the available evidence is currently insufficient to determine the role of this variant in disease. Therefore, it has been classified as a Variant of Uncertain Significance.

Genetic Services Laboratory, University of Chicago
Classification: Pathogenic for Myotubular myopathy, X-linked. Last evaluated: 2013-02-08. Review status: criteria provided, single submitter. Criteria: ACMG Guidelines, 2007. Collection method: clinical testing. Allele origin: germline. Inheritance: X-linked inheritance. Affected: yes.

Literature cited by the submitters: PubMed 9285787 (cited by Labcorp Genetics (formerly Invitae), Labcorp); PubMed 30902907 (cited by Labcorp Genetics (formerly Invitae), Labcorp).

NM_000252.3(MTM1):c.1495T>C (p.Trp499Arg)

Gene: MTM1 (myotubularin 1; plus strand). Cytogenetic location: Xq28.
Variant type: single nucleotide variant.
Coding change: c.1495T>C on transcript NM_000252.3 (MANE Select); coding-DNA position 1495, T replaced by C.
Protein change: p.Trp499Arg; replaces tryptophan 499 with arginine.
Molecular consequence: missense variant.
Genome position (GRCh38, 1-based): chrX:150,663,460, T>C. VCF-style: chrX-150663460-T-C. GRCh37 (hg19) VCF-style: chrX-149831933-T-C.
Other names: c.1495T>C, p.Trp499Arg (NM_001376906.1, NM_001376908.1); c.1384T>C, p.Trp462Arg (NM_001376907.1); short protein forms W499R, W462R.
Identifiers: ClinVar variation 158946 (VCV000158946.8), dbSNP rs587783801, ClinGen allele CA271838.
Genomic context (GRCh38, chrX:150,663,460, plus strand): 5'-GGCTCTCCACTTTCTCTCTCTGTCTCTCTGTAGAAGGTTACAGAAAGGACTGTTTCTTTA[T>C]GGTCACTGATAAACAGTAATAAAGAAAAATTCAAAAACCCCTTCTATACTAAAGAAATCA-3'
Protein context (NP_000243.1, residues 489-509): QKVTERTVSL[Trp499Arg]SLINSNKEKF